The following is an entry in ClinVar:

ClinVar aggregate classification (germline): Pathogenic/Likely pathogenic. Review status: criteria provided, multiple submitters, no conflicts (2 of 4 stars). 7 submissions from 7 submitters: Pathogenic (5); Likely pathogenic (1). 1 of the submissions does not count toward it. Last evaluated 2025-09-08.

Conditions:
Hereditary cancer-predisposing syndrome. Also called: Neoplastic Syndromes, Hereditary; Tumor predisposition; Hereditary Cancer Syndrome; Hereditary neoplastic syndrome. Identifiers: Orphanet 140162, MedGen C0027672, MeSH D009386, MONDO:0015356.
Familial cancer of breast. Also called: BREAST CANCER, FAMILIAL; hereditary breast carcinoma; Hereditary breast cancer. Identifiers: Orphanet 227535, MedGen C0346153, MONDO:0016419, OMIM 114480. Disease mechanism: loss of function.
CHEK2-related cancer predisposition (TPDS4). Also called: CHEK2-related cancer susceptibility; TUMOR PREDISPOSITION SYNDROME 4; CANCER PREDISPOSITION SYNDROME, CHEK2-RELATED. Identifiers: Orphanet 524, MedGen C5882668, MONDO:0700271, OMIM 609265.
Bone osteosarcoma. Also called: Osteosarcoma, somatic. Identifiers: Orphanet 668, MedGen C0585442, MONDO:0002629, OMIM 259500.
Familial prostate cancer. Also called: Hereditary Prostate Cancer. Identifiers: MedGen C2931456, MONDO:0700275, OMIM 176807.

Allele frequency attached by ClinVar (database versions not stated): gnomAD exomes below 0.00001.
gnomAD v4.1: 3 of 1,614,032 alleles (0.00019%); highest among the groups gnomAD compares: South Asian, 0.0022%; no homozygotes.

Submissions (7):

Quest Diagnostics Nichols Institute San Juan Capistrano
Classification: Pathogenic. Last evaluated: 2025-09-08. Review status: criteria provided, single submitter. Criteria: Quest Diagnostics criteria. Collection method: clinical testing. Allele origin: unknown.
Comment: The CHEK2 c.100C>T (p.Gln34*) variant causes the premature termination of CHEK2 protein synthesis. This variant has been reported in the published literature in individuals with breast cancer (PMID: 31300551 (2020), 33925588 (2021)), neuroblastoma (PMID: 36468172 (2023)), and pancreatic adenocarcinoma (PMID: 33429865 (2021)). This variant has not been reported in large, multi-ethnic general populations (Genome Aggregation Database). Based on the available information, this variant is classified as pathogenic.

Ambry Genetics
Classification: Pathogenic for Hereditary cancer-predisposing syndrome. Last evaluated: 2025-08-19. Review status: criteria provided, single submitter. Criteria: Ambry Variant Classification Scheme 2023. Collection method: clinical testing. Allele origin: germline.
Comment: The p.Q34* pathogenic mutation (also known as c.100C>T), located in coding exon 1 of the CHEK2 gene, results from a C to T substitution at nucleotide position 100. This changes the amino acid from a glutamine to a stop codon within coding exon 1. This alteration is expected to result in loss of function by premature protein truncation or nonsense-mediated mRNA decay. As such, this alteration is interpreted as a disease-causing mutation.

Labcorp Genetics (formerly Invitae), Labcorp
Classification: Pathogenic for Familial cancer of breast. Last evaluated: 2025-03-17. Review status: criteria provided, single submitter. Criteria: Invitae Variant Classification Sherloc (09022015). Collection method: clinical testing. Allele origin: germline.
Comment: This sequence change creates a premature translational stop signal (p.Gln34*) in the CHEK2 gene. It is expected to result in an absent or disrupted protein product. Loss-of-function variants in CHEK2 are known to be pathogenic (PMID: 21876083, 24713400). This variant is not present in population databases (gnomAD no frequency). This variant has not been reported in the literature in individuals affected with CHEK2-related conditions. ClinVar contains an entry for this variant (Variation ID: 491586). For these reasons, this variant has been classified as Pathogenic.

Fulgent Genetics
Classification: Likely pathogenic for Familial prostate cancer; Bone osteosarcoma; CHEK2-related cancer predisposition. Last evaluated: 2024-04-29. Review status: criteria provided, single submitter. Criteria: ACMG Guidelines, 2015. Collection method: clinical testing. Allele origin: germline.

Color Diagnostics, LLC DBA Color Health
Classification: Pathogenic for Hereditary cancer-predisposing syndrome. Last evaluated: 2023-08-28. Review status: criteria provided, single submitter. Criteria: ACMG Guidelines, 2015. Collection method: clinical testing. Allele origin: germline.
Comment: This variant changes 1 nucleotide in exon 2 of the CHEK2 gene, creating a premature translation stop signal. This variant is expected to result in an absent or non-functional protein product. This variant has been reported in individuals affected with breast cancer (PMID: 33925588, ClinVar SCV000914197.1). This variant has not been identified in the general population by the Genome Aggregation Database (gnomAD). Loss of CHEK2 function is a known mechanism of disease. Based on the available evidence, this variant is classified as Pathogenic.

Myriad Genetics, Inc.
Classification: Pathogenic for Familial cancer of breast. Last evaluated: 2023-06-22. Review status: criteria provided, single submitter. Criteria: Myriad Autosomal Dominant, Autosomal Recessive and X-Linked Classification Criteria (2023). Collection method: clinical testing. Allele origin: unknown.
Comment: This variant is considered pathogenic. This variant creates a termination codon and is predicted to result in premature protein truncation.

Academic Center for Education, Culture and Research, Motamed Cancer Institute
Classification: Pathogenic for Familial cancer of breast. Last evaluated: 2019-05-21. Review status: no assertion criteria provided. Collection method: clinical testing. Allele origin: germline. Inheritance: Autosomal dominant inheritance. Affected: yes. Observed: 1 heterozygote. Not counted in ClinVar's aggregate classification.

Literature cited by the submitters: PubMed 33429865 (cited by Quest Diagnostics Nichols Institute San Juan Capistrano); PubMed 33925588 (cited by Quest Diagnostics Nichols Institute San Juan Capistrano and Color Diagnostics, LLC DBA Color Health); PubMed 31300551 (cited by Quest Diagnostics Nichols Institute San Juan Capistrano); PubMed 39191493 (cited by Quest Diagnostics Nichols Institute San Juan Capistrano); PubMed 36468172 (cited by Quest Diagnostics Nichols Institute San Juan Capistrano); PubMed 21876083 (cited by Labcorp Genetics (formerly Invitae), Labcorp); PubMed 24713400 (cited by Labcorp Genetics (formerly Invitae), Labcorp).

NM_007194.4(CHEK2):c.100C>T (p.Gln34Ter)

Gene: CHEK2 (checkpoint kinase 2; minus strand). Cytogenetic location: 22q12.1.
Variant type: single nucleotide variant.
Coding change: c.100C>T on transcript NM_007194.4 (MANE Select); coding-DNA position 100, C replaced by T.
Protein change: p.Gln34Ter; replaces glutamine 34 with a stop codon.
Molecular consequence: nonsense.
Genome position (GRCh38, 1-based): chr22:28,734,622, G>A on the plus strand (C>T on the coding strand, the complement: CHEK2 is on the minus strand). VCF-style: chr22-28734622-G-A. GRCh37 (hg19) VCF-style: chr22-29130610-G-A.
Other names: c.100C>T, p.Gln34Ter (NM_001005735.3, NM_001349956.3, NM_145862.3); c.-678C>T (NM_001257387.3); short protein forms Q34*.
Identifiers: ClinVar variation 491586 (VCV000491586.22), dbSNP rs1231012263, ClinGen allele CA411091502.